The following is an entry in ClinVar:

NM_002253.4(KDR):c.406G>A (p.Val136Met)

Gene: KDR (kinase insert domain receptor; minus strand). Cytogenetic location: 4q12.
Variant type: single nucleotide variant.
Coding change: c.406G>A on transcript NM_002253.4 (MANE Select); coding-DNA position 406, G replaced by A.
Protein change: p.Val136Met; replaces valine 136 with methionine.
Molecular consequence: missense variant.
Genome position (GRCh38, 1-based): chr4:55,115,364, C>T on the plus strand (G>A on the coding strand, the complement: KDR is on the minus strand). VCF-style: chr4-55115364-C-T. GRCh37 (hg19) VCF-style: chr4-55981531-C-T.
Other names: short protein forms V136M.
Identifiers: ClinVar variation 134611 (VCV000134611.5), dbSNP rs35636987, ClinGen allele CA160327.

ClinVar aggregate classification (germline): Benign. Review status: criteria provided, multiple submitters, no conflicts (2 of 4 stars). 3 submissions from 3 submitters: Benign (2). 1 of the submissions does not count toward it. Last evaluated 2018-10-10.

Allele frequency attached by ClinVar (database versions not stated): gnomAD 0.00028 and 0.00046; TOPMed 0.00037; gnomAD exomes 0.00075; ExAC 0.00078; 1000 Genomes Project 30x 0.00203; 1000 Genomes Project 0.00240.
gnomAD v4.1: 743 of 1,555,858 alleles (0.048%); highest among the groups gnomAD compares: East Asian, 1.4%; 5 homozygotes.

Submissions (3):

Labcorp Genetics (formerly Invitae), Labcorp
Classification: Benign. Last evaluated: 2018-10-10. Review status: criteria provided, single submitter. Criteria: Invitae Variant Classification Sherloc (09022015). Collection method: clinical testing. Allele origin: germline.

Breakthrough Genomics
Classification: Benign. Review status: criteria provided, single submitter. Criteria: ACMG Guidelines, 2015. Collection method: not provided. Allele origin: germline. Inheritance: Autosomal dominant inheritance. Affected: yes.

ITMI
No classification provided. Condition: AllHighlyPenetrant. Last evaluated: 2013-09-19. Review status: no classification provided. Collection method: reference population. Allele origin: germline. Not counted in ClinVar's aggregate classification.
Comment: Please see associated publication for description of ethnicities

Literature cited by the submitters: PubMed 24728327 (cited by ITMI).